The following is an entry in ClinVar:

NM_015629.4(PRPF31):c.632G>A (p.Arg211Gln)

Gene: PRPF31 (pre-mRNA processing factor 31; plus strand). Cytogenetic location: 19q13.42.
Variant type: single nucleotide variant.
Coding change: c.632G>A on transcript NM_015629.4 (MANE Select); coding-DNA position 632, G replaced by A.
Protein change: p.Arg211Gln; replaces arginine 211 with glutamine.
Molecular consequence: missense variant.
Genome position (GRCh38, 1-based): chr19:54,123,853, G>A. VCF-style: chr19-54123853-G-A. GRCh37 (hg19) VCF-style: chr19-54627232-G-A.
Other names: short protein forms R211Q.
Identifiers: ClinVar variation 500443 (VCV000500443.56), dbSNP rs201806410, ClinGen allele CA309325261.

ClinVar aggregate classification (germline): Uncertain significance. Review status: criteria provided, multiple submitters, no conflicts (2 of 4 stars). 9 submissions from 9 submitters: Uncertain significance (9). Last evaluated 2026-02-02.

Conditions:
Retinal dystrophy. Also called: Inherited retinal dystrophy. Identifiers: Orphanet 71862, MedGen C0854723, MeSH D058499, MONDO:0019118, HP:0000556.
PRPF31-related disorder. Also called: PRPF31-related condition.
Retinitis pigmentosa 11 (RP11). Identifiers: Orphanet 791, MedGen C1838601, MONDO:0010828, OMIM 600138.

Allele frequency attached by ClinVar (database versions not stated): gnomAD 0.00012; ESP Exome Variant Server 0.00008; ExAC 0.00009; gnomAD exomes 0.00010; TOPMed 0.00010.

Submissions (9):

PreventionGenetics, part of Exact Sciences
Classification: Uncertain significance for PRPF31-related condition. Last evaluated: 2026-02-02. Review status: criteria provided, single submitter. Criteria: ACMG Guidelines, 2015. Collection method: clinical testing. Allele origin: germline.
Comment: The PRPF31 c.632G>A variant is predicted to result in the amino acid substitution p.Arg211Gln. This variant has been reported with uncertain significance in individuals with retinal disease (Family U in Supplemental Figure 1, Rose et al. 2016. PubMed ID: 26781568; Table S2, Zampaglione et al. 2020. PubMed ID: 32037395; Bahena et al. 2021. PubMed ID: 34148116). This variant is present in 0.016% of alleles in individuals of European (Non-Finnish) descent in gnomAD. At this time, the clinical significance of this variant is uncertain due to the absence of conclusive functional and genetic evidence.

Labcorp Genetics (formerly Invitae), Labcorp
Classification: Uncertain significance. Last evaluated: 2025-07-24. Review status: criteria provided, single submitter. Criteria: Invitae Variant Classification Sherloc (09022015). Collection method: clinical testing. Allele origin: germline.
Comment: This sequence change replaces arginine, which is basic and polar, with glutamine, which is neutral and polar, at codon 211 of the PRPF31 protein (p.Arg211Gln). This variant is present in population databases (rs201806410, gnomAD 0.02%). This missense change has been observed in individuals with retinitis pigmentosa (PMID: 26781568, 32037395, 34148116; internal data). ClinVar contains an entry for this variant (Variation ID: 500443). An algorithm developed to predict the effect of missense changes on protein structure and function (PolyPhen-2) suggests that this variant is likely to be disruptive. In summary, the available evidence is currently insufficient to determine the role of this variant in disease. Therefore, it has been classified as a Variant of Uncertain Significance.

Blueprint Genetics
Classification: Uncertain significance. Last evaluated: 2024-11-26. Review status: criteria provided, single submitter. Criteria: ACMG Guidelines, 2015. Collection method: clinical testing. Allele origin: germline.

Institute of Human Genetics, Univ. Regensburg, Univ. Regensburg
Classification: Uncertain significance for Retinal dystrophy. Last evaluated: 2022-01-01. Review status: criteria provided, single submitter. Criteria: ACMG Guidelines, 2015. Collection method: clinical testing. Allele origin: germline. Affected: yes.

CeGaT Center for Human Genetics Tuebingen
Classification: Uncertain significance. Last evaluated: 2020-03-01. Review status: criteria provided, single submitter. Criteria: CeGaT Center For Human Genetics Tuebingen Variant Classification Criteria Version 2. Collection method: clinical testing. Allele origin: germline. Affected: yes. Observed: 2 variant alleles.

GeneDx
Classification: Uncertain significance. Last evaluated: 2019-11-11. Review status: criteria provided, single submitter. Criteria: GeneDx Variant Classification Process June 2021. Collection method: clinical testing. Allele origin: germline. Affected: yes.
Comment: In silico analysis, which includes protein predictors and evolutionary conservation, supports a deleterious effect; Identified in an individual with retinitis pigmentosa in published literature (Rose et al., 2016); This variant is associated with the following publications: (PMID: 26781568)

Broad Center for Mendelian Genomics, Broad Institute of MIT and Harvard
Classification: Uncertain significance for Retinitis pigmentosa 11. Last evaluated: 2018-12-03. Review status: criteria provided, single submitter. Criteria: ACMG Guidelines, 2015. Collection method: research. Allele origin: germline. Inheritance: Autosomal dominant inheritance. Affected: yes.
Comment: The p.Arg211Gln variant in PRPF31 has not been previously reported in individuals with retinitis pigmentosa but has been identified in 0.009749% (27/276960) of chromosomes in the Genome Aggregation Database (gnomAD; dbSNP rs201806410). Retinitis pigmentosa caused by PRPF31 is an autosomal dominant disease with incomplete penetrance (PMID: 26781568). Please note that for diseases with clinical variability, or reduced penetrance, pathogenic variants may be present at a low frequency in the general population. Although this variant has been seen in the general population, the frequency is not high enough to rule out a pathogenic role. Computational prediction tools and conservation analyses do not provide strong support for or against an impact to the protein. In summary, the clinical significance of the p.Thr171Pro variant is uncertain. Criteria applied: None (Richards 2015).

Eurofins Ntd Llc (ga)
Classification: Uncertain significance. Last evaluated: 2017-02-24. Review status: criteria provided, single submitter. Criteria: EGL Classification Definitions 2015. Collection method: clinical testing. Allele origin: germline. Observed: 1 variant allele, 1 heterozygote.

Breakthrough Genomics
Classification: Uncertain significance. Review status: criteria provided, single submitter. Criteria: ACMG Guidelines, 2015. Collection method: not provided. Allele origin: germline. Inheritance: Autosomal dominant inheritance. Affected: yes.

Literature cited by the submitters: PubMed 26781568 (cited by 3 submitters); PubMed 32037395 (cited by Labcorp Genetics (formerly Invitae), Labcorp and Institute of Human Genetics, Univ. Regensburg, Univ. Regensburg); PubMed 34148116 (cited by Labcorp Genetics (formerly Invitae), Labcorp and Institute of Human Genetics, Univ. Regensburg, Univ. Regensburg); PubMed 34426522 (cited by Institute of Human Genetics, Univ. Regensburg, Univ. Regensburg).